The following is an entry in ClinVar:

ClinVar aggregate classification (germline): Uncertain significance (1 of 4 stars; one submission).

Conditions:
Mucopolysaccharidosis type 1. Also called: Mucopolysaccharidosis Type I; IDUA deficiency; MPS I. Identifiers: Orphanet 579, MedGen C0023786, MONDO:0001586.

Submission:

Labcorp Genetics (formerly Invitae), Labcorp
Classification: Uncertain significance for Mucopolysaccharidosis type 1. Last evaluated: 2022-06-14. Review status: criteria provided, single submitter. Criteria: Invitae Variant Classification Sherloc (09022015). Collection method: clinical testing. Allele origin: germline.
Comment: This sequence change replaces arginine, which is basic and polar, with histidine, which is basic and polar, at codon 543 of the IDUA protein (p.Arg543His). This variant is not present in population databases (gnomAD no frequency). This variant has not been reported in the literature in individuals affected with IDUA-related conditions. Advanced modeling of protein sequence and biophysical properties (such as structural, functional, and spatial information, amino acid conservation, physicochemical variation, residue mobility, and thermodynamic stability) performed at Invitae indicates that this missense variant is expected to disrupt IDUA protein function. In summary, the available evidence is currently insufficient to determine the role of this variant in disease. Therefore, it has been classified as a Variant of Uncertain Significance.

NM_000203.5(IDUA):c.1628G>A (p.Arg543His)

Gene: IDUA (alpha-L-iduronidase; plus strand). Cytogenetic location: 4p16.3.
Variant type: single nucleotide variant.
Coding change: c.1628G>A on transcript NM_000203.5 (MANE Select); coding-DNA position 1628, G replaced by A.
Protein change: p.Arg543His; replaces arginine 543 with histidine.
Molecular consequence: missense variant. On other transcripts: non-coding transcript variant (1).
Genome position (GRCh38, 1-based): chr4:1,003,448, G>A. VCF-style: chr4-1003448-G-A. GRCh37 (hg19) VCF-style: chr4-997236-G-A.
Other names: c.1232G>A, p.Arg411His (NM_001363576.1); short protein forms R411H, R543H.
Identifiers: ClinVar variation 2006466 (VCV002006466.4), dbSNP rs2534098120, ClinGen allele CA355965090.
Genomic context (GRCh38, chr4:1,003,448, plus strand): 5'-GCCTGACCCTGCGCCCCGCGCTGCGGCTGCCGTCGCTTTTGCTGGTGCACGTGTGTGCGC[G>A]CCCCGAGAAGCCGCCCGGGCAGGCAAGTGGCAGTCCCCTAACCCGCGCCGCGGCCCGGAC-3'
Protein context (NP_000194.2, residues 533-553): PSLLLVHVCA[Arg543His]PEKPPGQVTR